The following is an entry in ClinVar:

NM_024675.4(PALB2):c.2715G>C (p.Gln905His)

Gene: PALB2 (partner and localizer of BRCA2; minus strand). Cytogenetic location: 16p12.2.
Variant type: single nucleotide variant.
Coding change: c.2715G>C on transcript NM_024675.4 (MANE Select); coding-DNA position 2715, G replaced by C.
Protein change: p.Gln905His; replaces glutamine 905 with histidine.
Molecular consequence: missense variant. On other transcripts: intron variant (3).
Genome position (GRCh38, 1-based): chr16:23,626,269, C>G on the plus strand (G>C on the coding strand, the complement: PALB2 is on the minus strand). VCF-style: chr16-23626269-C-G. GRCh37 (hg19) VCF-style: chr16-23637590-C-G.
Other names: c.2655G>C, p.Gln885His (NM_001407296.1); c.2643G>C, p.Gln881His (NM_001407297.1); c.2715G>C, p.Gln905His (NM_001407299.1, NM_001407300.1, NM_001407301.1); c.1830G>C, p.Gln610His (NM_001407304.1, NM_001407305.1, NM_001407306.1 and 4 more transcripts); c.927G>C, p.Gln309His (NM_001407312.1, NM_001407313.1); c.249G>C, p.Gln83His (NM_001407314.1); c.2587-2175G>C (NM_001407302.1, NM_001407298.1); c.1702-2175G>C (NM_001407307.1); short protein forms Q309H, Q881H, Q885H, Q905H, Q610H, Q83H.
Identifiers: ClinVar variation 3885228 (VCV003885228.1).

ClinVar aggregate classification (germline): Uncertain significance (1 of 4 stars; one submission).

Conditions:
Hereditary cancer-predisposing syndrome. Also called: Tumor predisposition; Neoplastic Syndromes, Hereditary; Hereditary Cancer Syndrome; Hereditary neoplastic syndrome. Identifiers: Orphanet 140162, MedGen C0027672, MeSH D009386, MONDO:0015356.

Submission:

Ambry Genetics
Classification: Uncertain significance for Hereditary cancer-predisposing syndrome. Last evaluated: 2025-03-02. Review status: criteria provided, single submitter. Criteria: Ambry Variant Classification Scheme 2023. Collection method: clinical testing. Allele origin: germline.
Comment: The p.Q905H variant (also known as c.2715G>C), located in coding exon 7 of the PALB2 gene, results from a G to C substitution at nucleotide position 2715. The glutamine at codon 905 is replaced by histidine, an amino acid with highly similar properties. This amino acid position is conserved. In addition, this alteration is predicted to be tolerated by in silico analysis. Based on the available evidence, the clinical significance of this variant remains unclear.